The following is an entry in ClinVar:

NM_001848.3(COL6A1):c.14G>A (p.Arg5His)

Gene: COL6A1 (collagen type VI alpha 1 chain; plus strand). Cytogenetic location: 21q22.3.
Variant type: single nucleotide variant.
Coding change: c.14G>A on transcript NM_001848.3 (MANE Select); coding-DNA position 14, G replaced by A.
Protein change: p.Arg5His; replaces arginine 5 with histidine.
Molecular consequence: missense variant.
Genome position (GRCh38, 1-based): chr21:45,981,864, G>A. VCF-style: chr21-45981864-G-A. GRCh37 (hg19) VCF-style: chr21-47401778-G-A.
Other names: short protein forms R5H.
Identifiers: ClinVar variation 476415 (VCV000476415.9), dbSNP rs1556423460, ClinGen allele CA410513782.

ClinVar aggregate classification (germline): Uncertain significance (1 of 4 stars; one submission).

Conditions:
Bethlem myopathy 1A. Also called: Bethlem Muscular Dystrophy; MYOPATHY, BENIGN CONGENITAL, WITH CONTRACTURES; Bethlem myopathy 1. Identifiers: Orphanet 610, MedGen CN029274, MONDO:0024530, OMIM 158810.

Submission:

Labcorp Genetics (formerly Invitae), Labcorp
Classification: Uncertain significance for Bethlem myopathy 1A. Last evaluated: 2017-01-30. Review status: criteria provided, single submitter. Criteria: Invitae Variant Classification Sherloc (09022015). Collection method: clinical testing. Allele origin: germline.
Comment: This variant is not present in population databases (ExAC no frequency) and has not been reported in the literature in individuals with a COL6A1-related disease. This sequence change replaces arginine with histidine at codon 5 of the COL6A1 protein (p.Arg5His). The arginine residue is weakly conserved and there is a small physicochemical difference between arginine and histidine. Algorithms developed to predict the effect of missense changes on protein structure and function output the following: (SIFT: "Tolerated"; PolyPhen-2: "Benign"; Align-GVGD: "Class C0"). The histidine amino acid residue is found in multiple mammalian species, suggesting that this missense change does not adversely affect protein function. These predictions have not been confirmed by published functional studies. In summary, this variant is a novel missense change that is not predicted to affect protein function. There is no indication that it causes disease, but the available evidence is currently insufficient to prove that conclusively. Therefore, it has been classified as a Variant of Uncertain Significance.